The following is an entry in ClinVar:

NM_002335.4(LRP5):c.4823C>T (p.Pro1608Leu)

Gene: LRP5 (LDL receptor related protein 5; plus strand). Cytogenetic location: 11q13.2.
Variant type: single nucleotide variant.
Coding change: c.4823C>T on transcript NM_002335.4 (MANE Select); coding-DNA position 4823, C replaced by T.
Protein change: p.Pro1608Leu; replaces proline 1608 with leucine.
Molecular consequence: missense variant.
Genome position (GRCh38, 1-based): chr11:68,449,045, C>T. VCF-style: chr11-68449045-C-T. GRCh37 (hg19) VCF-style: chr11-68216513-C-T.
Other names: c.3080C>T, p.Pro1027Leu (NM_001291902.2); short protein forms P1608L, P1027L.
Identifiers: ClinVar variation 2888304 (VCV002888304.3), dbSNP rs890622542, ClinGen allele CA224260858.

ClinVar aggregate classification (germline): Uncertain significance (1 of 4 stars; one submission).

Allele frequency attached by ClinVar (database versions not stated): gnomAD exomes 0.00002; TOPMed 0.00002.
gnomAD v4.1: 35 of 1,578,110 alleles (0.0022%); highest among the groups gnomAD compares: Non-Finnish European, 0.0028%; no homozygotes.

Submission:

Labcorp Genetics (formerly Invitae), Labcorp
Classification: Uncertain significance. Last evaluated: 2023-07-17. Review status: criteria provided, single submitter. Criteria: Invitae Variant Classification Sherloc (09022015). Collection method: clinical testing. Allele origin: germline.
Comment: This sequence change replaces proline, which is neutral and non-polar, with leucine, which is neutral and non-polar, at codon 1608 of the LRP5 protein (p.Pro1608Leu). In summary, the available evidence is currently insufficient to determine the role of this variant in disease. Therefore, it has been classified as a Variant of Uncertain Significance. Advanced modeling of protein sequence and biophysical properties (such as structural, functional, and spatial information, amino acid conservation, physicochemical variation, residue mobility, and thermodynamic stability) performed at Invitae indicates that this missense variant is not expected to disrupt LRP5 protein function. This variant has not been reported in the literature in individuals affected with LRP5-related conditions. This variant is present in population databases (no rsID available, gnomAD 0.0009%).